The following is an entry in ClinVar:

NM_001083961.2(WDR62):c.2932del (p.Val978fs)

Gene: WDR62 (WD repeat domain 62; plus strand). Cytogenetic location: 19q13.12.
Variant type: Deletion.
Coding change: c.2932del on transcript NM_001083961.2 (MANE Select); coding-DNA position 2932, one base deleted (G; older notation c.2932delG).
Protein change: p.Val978fs; shifts the reading frame from valine 978.
Molecular consequence: frameshift variant.
Genome position (GRCh38, 1-based): chr19:36,101,278, G deleted; the last of 3 consecutive G bases (chr19:36,101,276-36,101,278); deleting any one gives the same sequence. VCF-style (leftmost placement, unchanged base first): chr19-36101275-AG-A. GRCh37 (hg19) VCF-style: chr19-36592177-AG-A.
Other names: c.2917del, p.Val973fs (NM_001411145.1); c.2932del, p.Val978fs (NM_001411146.1, NM_173636.5); c.2581del, p.Val861fs (NM_001411147.1); short protein forms V861fs, V973fs, V978fs.
Identifiers: ClinVar variation 3345392 (VCV003345392.1).
Genomic context (GRCh38, chr19:36,101,275, plus strand): 5'-CAGTATTGCAGGAAGGAGGTGGAGGCCGGGCCTGGAGACCAGCAGGGCGACTCCTACCTC[AG>A]GGTGTCCTCCGACAGCCCAAAGGACCAGAGCCCGCCTGAGGGTGAGTGCAGGGCAGGCAG-3'

ClinVar aggregate classification (germline): Likely pathogenic (0 of 4 stars; one submission).

Conditions:
WDR62-related disorder. Also called: WDR62-related condition.

Submission:

PreventionGenetics, part of Exact Sciences
Classification: Likely pathogenic for WDR62-related condition. Last evaluated: 2024-05-22. Review status: no assertion criteria provided. Collection method: clinical testing. Allele origin: germline.
Comment: The WDR62 c.2932delG variant is predicted to result in a frameshift and premature protein termination (p.Val978Cysfs*90). To our knowledge, this variant has not been reported in the literature or in a large population database, indicating this variant is rare. Frameshift variants in WDR62 are expected to be pathogenic. This variant is interpreted as likely pathogenic.